The following is an entry in ClinVar:

ClinVar aggregate classification (germline): Uncertain significance (1 of 4 stars; one submission).

Submission:

Women's Health and Genetics/Laboratory Corporation of America, LabCorp
Classification: Uncertain significance. Last evaluated: 2025-09-30. Review status: criteria provided, single submitter. Criteria: LabCorp Variant Classification Summary - May 2015. Collection method: clinical testing. Allele origin: germline.
Comment: Variant summary: CFH c.244+5G>C alters a non-conserved nucleotide located close to a canonical splice site and therefore could affect mRNA splicing, leading to a significantly altered protein sequence. Several computational tools predict a significant impact on normal splicing: One predicts the variant abolishes a 5' splicing donor site. Two predict the variant weakens a 5' donor site. However, these predictions have yet to be confirmed by functional studies. The variant was absent in 248128 control chromosomes. The available data on variant occurrences in the general population are insufficient to allow any conclusion about variant significance. To our knowledge, no occurrence of c.244+5G>C in individuals affected with CFH-related conditions and no experimental evidence demonstrating its impact on protein function have been reported. No submitters have cited clinical-significance assessments for this variant to ClinVar. Based on the evidence outlined above, the variant was classified as uncertain significance.

NM_000186.4(CFH):c.244+5G>C

Gene: CFH (complement factor H; plus strand). Cytogenetic location: 1q31.3.
Variant type: single nucleotide variant.
Coding change: c.244+5G>C on transcript NM_000186.4 (MANE Select); 5 bases into the intron after coding-DNA position 244, G replaced by C.
Molecular consequence: intron variant.
Genome position (GRCh38, 1-based): chr1:196,673,168, G>C. VCF-style: chr1-196673168-G-C. GRCh37 (hg19) VCF-style: chr1-196642298-G-C.
Other names: c.244+5G>C (NM_001014975.3).
Identifiers: ClinVar variation 4535791 (VCV004535791.1).